The following is an entry in ClinVar:

NM_016648.4(LARP7):c.983C>A (p.Ser328Tyr)

Genes: LARP7 (La ribonucleoprotein 7, transcriptional regulator; plus strand), MIR302CHG (miR-302/367 cluster host gene; minus strand). Cytogenetic location: 4q25.
Variant type: single nucleotide variant.
Coding change: c.983C>A on transcript NM_016648.4 (MANE Select); coding-DNA position 983, C replaced by A.
Protein change: p.Ser328Tyr; replaces serine 328 with tyrosine.
Molecular consequence: missense variant.
Genome position (GRCh38, 1-based): chr4:112,647,535, C>A. VCF-style: chr4-112647535-C-A. GRCh37 (hg19) VCF-style: chr4-113568691-C-A.
Other names: c.983C>A, p.Ser328Tyr (NM_001267039.4, NM_001370974.1, NM_001370975.1 and 2 more transcripts); c.980C>A, p.Ser327Tyr (NM_001370976.1, NM_001370977.1, NM_001370979.1 and 1 more transcripts); c.746C>A, p.Ser249Tyr (NM_001370981.1, NM_001370982.1); short protein forms S249Y, S328Y, S327Y.
Identifiers: ClinVar variation 2730324 (VCV002730324.2), dbSNP rs900175358, ClinGen allele CA103806685.

ClinVar aggregate classification (germline): Uncertain significance (1 of 4 stars; one submission).

Allele frequency attached by ClinVar (database versions not stated): gnomAD 0.00001; gnomAD exomes 0.00002.
gnomAD v4.1: 26 of 1,600,538 alleles (0.0016%); highest among the groups gnomAD compares: South Asian, 0.0023%; no homozygotes.

Submission:

Labcorp Genetics (formerly Invitae), Labcorp
Classification: Uncertain significance. Last evaluated: 2023-01-22. Review status: criteria provided, single submitter. Criteria: Invitae Variant Classification Sherloc (09022015). Collection method: clinical testing. Allele origin: germline.
Comment: In summary, the available evidence is currently insufficient to determine the role of this variant in disease. Therefore, it has been classified as a Variant of Uncertain Significance. Advanced modeling of protein sequence and biophysical properties (such as structural, functional, and spatial information, amino acid conservation, physicochemical variation, residue mobility, and thermodynamic stability) performed at Invitae indicates that this missense variant is not expected to disrupt LARP7 protein function. This variant has not been reported in the literature in individuals affected with LARP7-related conditions. This variant is present in population databases (no rsID available, gnomAD 0.007%). This sequence change replaces serine, which is neutral and polar, with tyrosine, which is neutral and polar, at codon 328 of the LARP7 protein (p.Ser328Tyr).